The following is an entry in ClinVar:

ClinVar aggregate classification (germline): Uncertain significance (1 of 4 stars; one submission).

Conditions:
Dyskeratosis congenita, autosomal dominant 2. Identifiers: MedGen C3151443, MONDO:0013521, OMIM 613989.
Idiopathic Pulmonary Fibrosis. Also called: Idiopathic fibrosing alveolitis, chronic form; idiopathic fibrosing alveolitis. Identifiers: Orphanet 2032, MedGen C1800706, MeSH D054990, MONDO:0800504.

Allele frequency attached by ClinVar (database versions not stated): TOPMed below 0.00001.

Submission:

Labcorp Genetics (formerly Invitae), Labcorp
Classification: Uncertain significance for Dyskeratosis congenita, autosomal dominant 2; Idiopathic Pulmonary Fibrosis. Last evaluated: 2021-05-15. Review status: criteria provided, single submitter. Criteria: Invitae Variant Classification Sherloc (09022015). Collection method: clinical testing. Allele origin: germline.
Comment: This sequence change replaces serine with phenylalanine at codon 764 of the TERT protein (p.Ser764Phe). The serine residue is moderately conserved and there is a large physicochemical difference between serine and phenylalanine. This variant is not present in population databases (ExAC no frequency). This variant has not been reported in the literature in individuals with TERT-related conditions. Advanced modeling of protein sequence and biophysical properties (such as structural, functional, and spatial information, amino acid conservation, physicochemical variation, residue mobility, and thermodynamic stability) performed at Invitae indicates that this missense variant is expected to disrupt TERT protein function. In summary, the available evidence is currently insufficient to determine the role of this variant in disease. Therefore, it has been classified as a Variant of Uncertain Significance.

NM_198253.3(TERT):c.2291C>T (p.Ser764Phe)

Gene: TERT (telomerase reverse transcriptase; minus strand). Cytogenetic location: 5p15.33.
Variant type: single nucleotide variant.
Coding change: c.2291C>T on transcript NM_198253.3 (MANE Select); coding-DNA position 2291, C replaced by T.
Protein change: p.Ser764Phe; replaces serine 764 with phenylalanine.
Molecular consequence: missense variant.
Genome position (GRCh38, 1-based): chr5:1,272,276, G>A on the plus strand (C>T on the coding strand, the complement: TERT is on the minus strand). VCF-style: chr5-1272276-G-A. GRCh37 (hg19) VCF-style: chr5-1272391-G-A.
Other names: c.2291C>T, p.Ser764Phe (NM_001193376.3); short protein forms S764F.
Identifiers: ClinVar variation 1353775 (VCV001353775.8), dbSNP rs1749100396, ClinGen allele CA359076495.